The following is an entry in ClinVar:

ClinVar aggregate classification (germline): Uncertain significance. Review status: criteria provided, multiple submitters, no conflicts (2 of 4 stars). 3 submissions from 3 submitters: Uncertain significance (3). Last evaluated 2022-08-18.

Allele frequency attached by ClinVar (database versions not stated): gnomAD 0.00001; ExAC 0.00002; TOPMed 0.00001; gnomAD exomes 0.00001; 1000 Genomes Project 0.00040; 1000 Genomes Project 30x 0.00031.
gnomAD v4.1: 17 of 1,612,572 alleles (0.0011%); highest among the groups gnomAD compares: African/African-American, 0.0053%; no homozygotes.

Submissions (3):

Women's Health and Genetics/Laboratory Corporation of America, LabCorp
Classification: Uncertain significance. Last evaluated: 2022-08-18. Review status: criteria provided, single submitter. Criteria: LabCorp Variant Classification Summary - May 2015. Collection method: clinical testing. Allele origin: germline.
Comment: Variant summary: PEPD c.563C>T (p.Thr188Met) results in a non-conservative amino acid change in the encoded protein sequence. Five of five in-silico tools predict a damaging effect of the variant on protein function. The variant allele was found at a frequency of 1.2e-05 in 248880 control chromosomes (gnomAD). The available data on variant occurrences in the general population are insufficient to allow any conclusion about variant significance. To our knowledge, no occurrence of c.563C>T in individuals affected with Prolidase Deficiency and no experimental evidence demonstrating its impact on protein function have been reported. One ClinVar submitter has assessed the variant since 2014: the variant was classified as of uncertain significance. Based on the evidence outlined above, the variant was classified as uncertain significance.

GeneDx
Classification: Uncertain significance. Last evaluated: 2022-03-28. Review status: criteria provided, single submitter. Criteria: GeneDx Variant Classification Process June 2021. Collection method: clinical testing. Allele origin: germline. Affected: yes.
Comment: In silico analysis supports that this missense variant has a deleterious effect on protein structure/function; Has not been previously published as pathogenic or benign to our knowledge

Labcorp Genetics (formerly Invitae), Labcorp
Classification: Uncertain significance. Last evaluated: 2021-08-31. Review status: criteria provided, single submitter. Criteria: Invitae Variant Classification Sherloc (09022015). Collection method: clinical testing. Allele origin: germline.
Comment: This sequence change replaces threonine with methionine at codon 188 of the PEPD protein (p.Thr188Met). The threonine residue is moderately conserved and there is a moderate physicochemical difference between threonine and methionine. This variant is present in population databases (rs141623136, ExAC 0.01%). This variant has not been reported in the literature in individuals affected with PEPD-related conditions. Algorithms developed to predict the effect of missense changes on protein structure and function are either unavailable or do not agree on the potential impact of this missense change (SIFT: "Deleterious"; PolyPhen-2: "Probably Damaging"; Align-GVGD: "Class C0"). In summary, the available evidence is currently insufficient to determine the role of this variant in disease. Therefore, it has been classified as a Variant of Uncertain Significance.

NM_000285.4(PEPD):c.563C>T (p.Thr188Met)

Gene: PEPD (peptidase D; minus strand). Cytogenetic location: 19q13.11.
Variant type: single nucleotide variant.
Coding change: c.563C>T on transcript NM_000285.4 (MANE Select); coding-DNA position 563, C replaced by T.
Protein change: p.Thr188Met; replaces threonine 188 with methionine.
Molecular consequence: missense variant. On other transcripts: intron variant (1).
Genome position (GRCh38, 1-based): chr19:33,464,048, G>A on the plus strand (C>T on the coding strand, the complement: PEPD is on the minus strand). VCF-style: chr19-33464048-G-A. GRCh37 (hg19) VCF-style: chr19-33954954-G-A.
Other names: c.371C>T, p.Thr124Met (NM_001166057.2); c.548+13998C>T (NM_001166056.2); short protein forms T124M, T188M.
Identifiers: ClinVar variation 1496279 (VCV001496279.7), dbSNP rs141623136, ClinGen allele CA9364235.